The following is an entry in ClinVar:

NM_016222.4(DDX41):c.517G>A (p.Gly173Arg)

Gene: DDX41 (DEAD-box helicase 41; minus strand). Cytogenetic location: 5q35.3.
Variant type: single nucleotide variant.
Coding change: c.517G>A on transcript NM_016222.4 (MANE Select); coding-DNA position 517, G replaced by A.
Protein change: p.Gly173Arg; replaces glycine 173 with arginine.
Molecular consequence: missense variant.
Genome position (GRCh38, 1-based): chr5:177,515,739, C>T on the plus strand (G>A on the coding strand, the complement: DDX41 is on the minus strand). VCF-style: chr5-177515739-C-T. GRCh37 (hg19) VCF-style: chr5-176942740-C-T.
Other names: c.517G>A (NM_016222.3, NM_016222.2); c.139G>A, p.Gly47Arg (NM_001321732.2, NM_001321830.2); short protein forms G173R, G47R.
Identifiers: ClinVar variation 978206 (VCV000978206.20), dbSNP rs746166328, ClinGen allele CA3585177.
Genomic context (GRCh38, chr5:177,515,739, plus strand): 5'-GACTACCTGCAGGAAACTTCATTTCCTTGAAGCTCTTGATGGGTGGTGGGATACCGTCTC[C>T]CTCCACCAGGATGTGGTATTTCTTCCGCACGCGCTCATGTCGCTCTTCAGACATGCTCAG-3'
Protein context (NP_057306.2, residues 163-183): VRKKYHILVE[Gly173Arg]DGIPPPIKSF

ClinVar aggregate classification (germline): Conflicting classifications of pathogenicity. Review status: criteria provided, conflicting classifications (1 of 4 stars). 11 submissions from 11 submitters: Pathogenic (3); Likely pathogenic (5); Uncertain significance (1). 2 of the submissions do not count toward it. Last evaluated 2026-03-23.

Conditions:
DDX41-related disorders.
Bone marrow hypocellularity. Identifiers: MedGen C1855710, HP:0005528.
Inborn genetic diseases. Identifiers: MedGen C0950123, MeSH D030342.
DDX41-related hematologic malignancy predisposition syndrome. Also called: Myeloproliferative/lymphoproliferative neoplasms, familial (multiple types), susceptibility to; DDX41-Associated Familial Myelodysplastic Syndrome and Acute Myeloid Leukemia. Identifiers: Orphanet 488647, MedGen C4225174, MONDO:0014809, OMIM 616871.
DDX41-related disorder. Also called: DDX41-related condition.

Allele frequency attached by ClinVar (database versions not stated): TOPMed below 0.00001; ExAC 0.00001; gnomAD 0.00001; gnomAD exomes 0.00003.
gnomAD v4.1: 40 of 1,614,026 alleles (0.0025%); highest among the groups gnomAD compares: Non-Finnish European, 0.0033%; no homozygotes.

Submissions (11):

PreventionGenetics, part of Exact Sciences
Classification: Likely pathogenic for DDX41-related condition. Last evaluated: 2026-03-23. Review status: criteria provided, single submitter. Criteria: ACMG Guidelines, 2015. Collection method: clinical testing. Allele origin: germline.
Comment: The DDX41 c.517G>A variant is predicted to result in the amino acid substitution p.Gly173Arg. This variant has been reported in the heterozygous state in multiple individuals with myelodysplastic syndrome (MDS), acute myeloid leukemia (AML), aplastic anemia, pancytopenia, and inherited bone marrow failure syndrome (Table S3, Sébert et al. 2019. PubMed ID: 31484648; Blombery et al. 2021. PubMed ID: 32054657; Table S11, Cheloor Kovilakam et al. 2023. PubMed ID: 37506341; Table S3, Pietka et al. 2024. PubMed ID: 38462984; Table S1, Badar et al. 2023. PubMed ID: 37199125). In vitro experimental studies using mouse hematopoietic progenitor cells suggest this variant results in decreased transcript regulation capacity and decreased differential transcript usage compared to wild-type DDX41 (Kim et al. 2025. PubMed ID: 41193510). This variant is reported in 0.0065% of alleles in individuals of European (non-Finnish) descent in gnomAD and it has conflicting classifications ranging from pathogenic to uncertain by other institutions in ClinVar (Variation ID: 978206). Given the evidence, this variant is interpreted as likely pathogenic.

Labcorp Genetics (formerly Invitae), Labcorp
Classification: Pathogenic. Last evaluated: 2025-11-19. Review status: criteria provided, single submitter. Criteria: Invitae Variant Classification Sherloc (09022015). Collection method: clinical testing. Allele origin: germline.
Comment: This sequence change replaces glycine, which is neutral and non-polar, with arginine, which is basic and polar, at codon 173 of the DDX41 protein (p.Gly173Arg). This variant is present in population databases (rs746166328, gnomAD 0.004%). This missense change has been observed in individuals with familial myeloproliferative/lymphoproliferative neoplasms (PMID: 31484648, 32054657). ClinVar contains an entry for this variant (Variation ID: 978206). An algorithm developed to predict the effect of missense changes on protein structure and function (PolyPhen-2) suggests that this variant is likely to be disruptive. For these reasons, this variant has been classified as Pathogenic.

Saint-Louis Hospital, Assistance Publique Hôpitaux de Paris
Classification: Pathogenic for DDX41-related hematologic malignancy predisposition syndrome. Last evaluated: 2025-05-13. Review status: criteria provided, single submitter. Criteria: ACMG Guidelines, 2015. Collection method: clinical testing. Allele origin: germline. Affected: yes.
Comment: The variant NM_016222.4:c.517G>A:p.(Gly173Arg) has been reported in individuals with suspected or confirmed predisposition to myeloid malignancies ( Sébert et al, 2019, PMID: 31484648). Here, it is associated with a second (somatic) DDX41 mutation in bone marrow, which is a classical route of clonal evolution in DDX41-myeloid malignancies predisposition(Duployez et al, 2022, PMID: 35443031).

Ambry Genetics
Classification: Uncertain significance for Inborn genetic diseases. Last evaluated: 2025-04-10. Review status: criteria provided, single submitter. Criteria: Ambry Variant Classification Scheme 2023. Collection method: clinical testing. Allele origin: germline.
Comment: The p.G173R variant (also known as c.517G>A), located in coding exon 6 of the DDX41 gene, results from a G to A substitution at nucleotide position 517. The glycine at codon 173 is replaced by arginine, an amino acid with dissimilar properties. This variant was reported in individual(s) with features consistent with DDX41-related hematologic malignancy predisposition syndrome (S&eacute;bert M et al. Blood, 2019 Oct;134:1441-1444; Perani A et al. Front Oncol, 2023 Feb;13:1120829). This amino acid position is highly conserved in available vertebrate species. In addition, the in silico prediction for this alteration is inconclusive. Based on the available evidence, the clinical significance of this variant remains unclear.

GeneDx
Classification: Likely pathogenic. Last evaluated: 2025-03-31. Review status: criteria provided, single submitter. Criteria: GeneDx Variant Classification Process June 2021. Collection method: clinical testing. Allele origin: germline. Affected: yes.
Comment: Not observed at significant frequency in large population cohorts (gnomAD); In silico analysis supports that this missense variant has a deleterious effect on protein structure/function; This variant is associated with the following publications: (PMID: 33626862, 31698430, 31484648, 32054657, 36347925, 27721487, 35443031, 36923434, 36672294, 37317927, 37506341, 38492200, 38348889, 37199125)

Molecular Pathology, Peter Maccallum Cancer Centre
Classification: Likely pathogenic for DDX41-related hematologic malignancy predisposition syndrome. Last evaluated: 2024-08-13. Review status: criteria provided, single submitter. Criteria: ACMG Guidelines, 2015. Collection method: clinical testing. Allele origin: germline.

Laboratorio de Genetica e Diagnostico Molecular, Hospital Israelita Albert Einstein
Classification: Likely pathogenic for DDX41-related hematologic malignancy predisposition syndrome. Last evaluated: 2024-05-22. Review status: criteria provided, single submitter. Criteria: ACMG Guidelines, 2015. Collection method: clinical testing. Allele origin: germline. Affected: yes.
Comment: ACMG classification criteria: PS3 supporting, PS4 moderate, PM2 supporting, PM3 moderate, PP2 supporting

Blueprint Genetics
Classification: Pathogenic for DDX41-related disorders. Last evaluated: 2024-04-08. Review status: criteria provided, single submitter. Criteria: ACMG Guidelines, 2015. Collection method: clinical testing. Allele origin: germline. Affected: yes. Observed: 5 variant alleles.

Baylor Genetics
Classification: Likely pathogenic for DDX41-related hematologic malignancy predisposition syndrome. Last evaluated: 2024-03-17. Review status: criteria provided, single submitter. Criteria: ACMG Guidelines, 2015. Collection method: clinical testing. Allele origin: unknown.

Bone Marrow Failure laboratory, Queen Mary University London
Classification: Uncertain significance for Bone marrow hypocellularity. Last evaluated: 2020-08-28. Review status: no assertion criteria provided. Collection method: research. Allele origin: unknown. Affected: yes. Not counted in ClinVar's aggregate classification.
Comment: The following ACMG/AMP criteria was used: PP3.

GeneReviews
No classification provided. Condition: DDX41-related hematologic malignancy predisposition syndrome. Review status: no classification provided. Collection method: literature only. Allele origin: germline. Not counted in ClinVar's aggregate classification.
Comment: Common recurrent germline variant, esp in persons of European ancestry [Sébert et al 2019]

Literature cited by the submitters: PubMed 31484648 (cited by 4 submitters); PubMed 32054657 (cited by Labcorp Genetics (formerly Invitae), Labcorp); PubMed 35443031 (cited by Saint-Louis Hospital, Assistance Publique Hôpitaux de Paris); PubMed 36347925 (cited by Ambry Genetics); PubMed 36923434 (cited by Ambry Genetics).